The following is an entry in ClinVar:

ClinVar aggregate classification (germline): Uncertain significance. Review status: criteria provided, multiple submitters, no conflicts (2 of 4 stars). 3 submissions from 3 submitters: Uncertain significance (3). Last evaluated 2026-02-01.

Allele frequency attached by ClinVar (database versions not stated): gnomAD exomes 0.00001 and 0.00003; gnomAD 0.00002 and 0.00003; TOPMed 0.00002; ExAC 0.00004; 1000 Genomes Project 0.00020; 1000 Genomes Project 30x 0.00031.
gnomAD v4.1: 20 of 1,614,006 alleles (0.0012%); highest among the groups gnomAD compares: South Asian, 0.0055%; no homozygotes.

Submissions (3):

CeGaT Center for Human Genetics Tuebingen
Classification: Uncertain significance. Last evaluated: 2026-02-01. Review status: criteria provided, single submitter. Criteria: CeGaT Center For Human Genetics Tuebingen Variant Classification Criteria Version 2. Collection method: clinical testing. Allele origin: germline. Affected: yes. Observed: 1 variant allele.
Comment: GSN: PM2:Supporting, BP4

Labcorp Genetics (formerly Invitae), Labcorp
Classification: Uncertain significance. Last evaluated: 2022-11-20. Review status: criteria provided, single submitter. Criteria: Invitae Variant Classification Sherloc (09022015). Collection method: clinical testing. Allele origin: germline.
Comment: In summary, the available evidence is currently insufficient to determine the role of this variant in disease. Therefore, it has been classified as a Variant of Uncertain Significance. Advanced modeling of protein sequence and biophysical properties (such as structural, functional, and spatial information, amino acid conservation, physicochemical variation, residue mobility, and thermodynamic stability) performed at Invitae indicates that this missense variant is not expected to disrupt GSN protein function. ClinVar contains an entry for this variant (Variation ID: 1371625). This variant has not been reported in the literature in individuals affected with GSN-related conditions. This variant is present in population databases (rs533077767, gnomAD 0.01%). This sequence change replaces lysine, which is basic and polar, with arginine, which is basic and polar, at codon 245 of the GSN protein (p.Lys245Arg).

Breakthrough Genomics
Classification: Uncertain significance. Review status: criteria provided, single submitter. Criteria: ACMG Guidelines, 2015. Collection method: not provided. Allele origin: germline. Inheritance: Autosomal dominant inheritance. Affected: yes.

NM_198252.3(GSN):c.581A>G (p.Lys194Arg)

Gene: GSN (gelsolin; plus strand). Cytogenetic location: 9q33.2.
Variant type: single nucleotide variant.
Coding change: c.581A>G on transcript NM_198252.3 (MANE Select); coding-DNA position 581, A replaced by G.
Protein change: p.Lys194Arg; replaces lysine 194 with arginine.
Molecular consequence: missense variant. On other transcripts: 5 prime UTR variant (1).
Genome position (GRCh38, 1-based): chr9:121,312,406, A>G. VCF-style: chr9-121312406-A-G. GRCh37 (hg19) VCF-style: chr9-124074684-A-G.
Other names: c.734A>G, p.Lys245Arg (NM_000177.5); c.581A>G, p.Lys194Arg (NM_001127662.2, NM_001127664.2, NM_001127665.2 and 10 more transcripts); c.689A>G, p.Lys230Arg (NM_001127663.2); c.614A>G, p.Lys205Arg (NM_001127666.2, NM_001353063.2, NM_001353064.2 and 13 more transcripts); c.653A>G, p.Lys218Arg (NM_001353076.2); c.-74A>G (NM_001353078.2); c.632A>G, p.Lys211Arg (NM_001258029.2); c.605A>G, p.Lys202Arg (NM_001258030.2); short protein forms K202R, K194R, K205R, K211R, K230R, K218R, K245R.
Identifiers: ClinVar variation 1371625 (VCV001371625.11), dbSNP rs533077767, ClinGen allele CA5220939.